The following is an entry in ClinVar:

ClinVar aggregate classification (germline): Pathogenic (1 of 4 stars; one submission).

Submission:

Athena Diagnostics
Classification: Pathogenic. Last evaluated: 2021-09-08. Review status: criteria provided, single submitter. Criteria: Athena Diagnostics Criteria. Collection method: clinical testing. Allele origin: unknown.
Comment: Similar deletions of exons 3-4 have been reported in multiple individuals described as having BMD, and also in several with Duchenne muscular dystrophy (DMD; PMID: 1864612, 9048922, 12324874, 16049303), as well as in individuals where the type of dystrophinopathy was not specified. Similar variants have not been reported in large, multi-ethnic general populations (Genome Aggregation Database (gnomAD), Cambridge, MA (URL)).

Literature cited by the submitters: PubMed 33644936; PubMed 15723292; PubMed 12324874; PubMed 8149204; PubMed 19367636; PubMed 33101180; PubMed 31081998; PubMed 25900853; PubMed 15684864; PubMed 25937795; PubMed 27854217; PubMed 31139960; PubMed 19084397; PubMed 32194622; PubMed 29847600; PubMed 21515508; PubMed 29973226; PubMed 16834926; PubMed 31705731; PubMed 33238405; PubMed 25972034; PubMed 19694014; PubMed 25076844; PubMed 28610567; PubMed 28116794; PubMed 27593222; PubMed 23588064; PubMed 17259292; PubMed 17253928; PubMed 9048922; PubMed 16049303; PubMed 11388892; PubMed 19937601; PubMed 1864612; PubMed 1684565; PubMed 15845029; PubMed 20036901.

Single allele

Gene: DMD (dystrophin; minus strand). Cytogenetic location: Xp21.1.
Variant type: Deletion.
Identifiers: ClinVar variation 1807250 (VCV001807250.1).